The following is an entry in ClinVar:

NM_152564.5(VPS13B):c.9090G>A (p.Trp3030Ter)

Gene: VPS13B (vacuolar protein sorting 13 homolog B; plus strand). Cytogenetic location: 8q22.2.
Variant type: single nucleotide variant.
Coding change: c.9090G>A on transcript NM_152564.5 (MANE Select); coding-DNA position 9090, G replaced by A.
Protein change: p.Trp3030Ter; replaces tryptophan 3030 with a stop codon.
Molecular consequence: nonsense.
Genome position (GRCh38, 1-based): chr8:99,821,389, G>A. VCF-style: chr8-99821389-G-A. GRCh37 (hg19) VCF-style: chr8-100833617-G-A.
Other names: c.9165G>A, p.Trp3055Ter (NM_017890.5); short protein forms W3030*, W3055*.
Identifiers: ClinVar variation 2704333 (VCV002704333.3), dbSNP rs1814359696, ClinGen allele CA371778612.
Genomic context (GRCh38, chr8:99,821,389, plus strand): 5'-AAACACTGTGCACAAGTCAGTAGCAATTAAACTGGTCCATAACCTGACATCTCCAAAGTG[G>A]AAAGATGGAGGTAATGGTGAAGTTGTGACACTGGATGAAGAAGCGTTTGTTGATACTGAA-3'

ClinVar aggregate classification (germline): Pathogenic (1 of 4 stars; one submission).

Conditions:
Cohen syndrome (COH1). Also called: Cutis verticis gyrata, retinitis pigmentosa, and sensorineural deafness; PEPPER SYNDROME. Identifiers: Orphanet 193, MedGen C0265223, MONDO:0008999, OMIM 216550.

Submission:

Labcorp Genetics (formerly Invitae), Labcorp
Classification: Pathogenic for Cohen syndrome. Last evaluated: 2023-12-19. Review status: criteria provided, single submitter. Criteria: Invitae Variant Classification Sherloc (09022015). Collection method: clinical testing. Allele origin: germline.
Comment: This sequence change creates a premature translational stop signal (p.Trp3055*) in the VPS13B gene. It is expected to result in an absent or disrupted protein product. Loss-of-function variants in VPS13B are known to be pathogenic (PMID: 15141358, 16648375, 20461111). This variant is not present in population databases (gnomAD no frequency). This variant has not been reported in the literature in individuals affected with VPS13B-related conditions. For these reasons, this variant has been classified as Pathogenic.

Literature cited by the submitters: PubMed 15141358; PubMed 16648375; PubMed 20461111.